The following is an entry in ClinVar:

ClinVar aggregate classification (germline): Uncertain significance. Review status: criteria provided, multiple submitters, no conflicts (2 of 4 stars). 3 submissions from 3 submitters: Uncertain significance (3). Last evaluated 2025-08-23.

Conditions:
Short-rib thoracic dysplasia 10 with or without polydactyly (SRTD10). Identifiers: Orphanet 474, MedGen C3810175, MONDO:0014284, OMIM 615630.
Retinitis pigmentosa 71 (RP71). Identifiers: Orphanet 791, MedGen C4225342, MONDO:0014618, OMIM 616394.
Inborn genetic diseases. Identifiers: MedGen C0950123, MeSH D030342.

Allele frequency attached by ClinVar (database versions not stated): gnomAD exomes 0.00001; gnomAD 0.00003; TOPMed 0.00003; ExAC 0.00004; ESP Exome Variant Server 0.00008.

Submissions (3):

Ambry Genetics
Classification: Uncertain significance for Inborn genetic diseases. Last evaluated: 2025-08-23. Review status: criteria provided, single submitter. Criteria: Ambry Variant Classification Scheme 2023. Collection method: clinical testing. Allele origin: germline.

Labcorp Genetics (formerly Invitae), Labcorp
Classification: Uncertain significance for Retinitis pigmentosa 71; Short-rib thoracic dysplasia 10 with or without polydactyly. Last evaluated: 2022-06-26. Review status: criteria provided, single submitter. Criteria: Invitae Variant Classification Sherloc (09022015). Collection method: clinical testing. Allele origin: germline.
Comment: In summary, the available evidence is currently insufficient to determine the role of this variant in disease. Therefore, it has been classified as a Variant of Uncertain Significance. Algorithms developed to predict the effect of missense changes on protein structure and function are either unavailable or do not agree on the potential impact of this missense change (SIFT: "Deleterious"; PolyPhen-2: "Benign"; Align-GVGD: "Class C0"). This variant has not been reported in the literature in individuals affected with IFT172-related conditions. This variant is present in population databases (rs368407796, gnomAD 0.01%). This sequence change replaces arginine, which is basic and polar, with glutamine, which is neutral and polar, at codon 296 of the IFT172 protein (p.Arg296Gln).

Blueprint Genetics
Classification: Uncertain significance. Last evaluated: 2019-08-05. Review status: criteria provided, single submitter. Criteria: ACMG Guidelines, 2015. Collection method: clinical testing. Allele origin: germline.

NM_015662.3(IFT172):c.887G>A (p.Arg296Gln)

Gene: IFT172 (intraflagellar transport 172; minus strand). Cytogenetic location: 2p23.3.
Variant type: single nucleotide variant.
Coding change: c.887G>A on transcript NM_015662.3 (MANE Select); coding-DNA position 887, G replaced by A.
Protein change: p.Arg296Gln; replaces arginine 296 with glutamine.
Molecular consequence: missense variant.
Genome position (GRCh38, 1-based): chr2:27,480,048, C>T on the plus strand (G>A on the coding strand, the complement: IFT172 is on the minus strand). VCF-style: chr2-27480048-C-T. GRCh37 (hg19) VCF-style: chr2-27702915-C-T.
Other names: c.887G>A, p.Arg296Gln (NM_001410739.1); c.887G>A (NM_015662.1); short protein forms R296Q.
Identifiers: ClinVar variation 2143608 (VCV002143608.6), dbSNP rs368407796, ClinGen allele CA1580841.